The following is an entry in ClinVar:

ClinVar aggregate classification (germline): Pathogenic. Review status: criteria provided, multiple submitters, no conflicts (2 of 4 stars). 2 submissions from 2 submitters: Pathogenic (2). Last evaluated 2022-07-13.

Conditions:
Retinitis pigmentosa 1 (RP1). Identifiers: Orphanet 791, MedGen C0220701, MONDO:0008377, OMIM 180100.

Submissions (2):

Labcorp Genetics (formerly Invitae), Labcorp
Classification: Pathogenic. Last evaluated: 2022-07-13. Review status: criteria provided, single submitter. Criteria: Invitae Variant Classification Sherloc (09022015). Collection method: clinical testing. Allele origin: germline.
Comment: For these reasons, this variant has been classified as Pathogenic. This variant has not been observed in the literature in individuals with autosomal recessive RP1-related conditions. This variant has been reported in individual(s) with autosomal dominant RP1-related conditions (PMID: 30913292); however, the role of the variant in this condition is currently unclear. This variant is not present in population databases (gnomAD no frequency). This sequence change creates a premature translational stop signal (p.Arg25Serfs*37) in the RP1 gene. It is expected to result in an absent or disrupted protein product. Loss-of-function variants in RP1 are known to be pathogenic (PMID: 11960024, 19933189).

Clinical Genetics Service, Universitary Hospital 12 de Octubre
Classification: Pathogenic for Retinitis pigmentosa 1. Review status: criteria provided, single submitter. Criteria: ACMG Guidelines, 2015. Collection method: clinical testing. Allele origin: germline. Affected: yes.

Literature cited by the submitters: PubMed 30913292 (cited by Labcorp Genetics (formerly Invitae), Labcorp); PubMed 11960024 (cited by Labcorp Genetics (formerly Invitae), Labcorp); PubMed 19933189 (cited by Labcorp Genetics (formerly Invitae), Labcorp).

NM_006269.2(RP1):c.71dup (p.Arg25fs)

Gene: RP1 (RP1 axonemal microtubule associated; plus strand). Cytogenetic location: 8q12.1.
Variant type: Duplication.
Coding change: c.71dup on transcript NM_006269.2 (MANE Select); coding-DNA position 71, one base duplicated (C; older notation c.71dupC).
Protein change: p.Arg25fs; shifts the reading frame from arginine 25.
Molecular consequence: frameshift variant.
Genome position (GRCh38, 1-based): chr8:54,621,037, C duplicated; the last of 5 consecutive C bases (chr8:54,621,033-54,621,037); duplicating any one gives the same sequence. VCF-style (leftmost placement, unchanged base first): chr8-54621032-A-AC. GRCh37 (hg19) VCF-style: chr8-55533592-A-AC.
Other names: c.71dup, p.Arg25fs (NM_001375654.1); short protein forms R25fs.
Identifiers: ClinVar variation 2418953 (VCV002418953.7), dbSNP rs2536555093, ClinGen allele CA2579168406.